The following is an entry in ClinVar:

NM_000222.3(KIT):c.2156A>C (p.Asn719Thr)

Gene: KIT (KIT proto-oncogene, receptor tyrosine kinase; plus strand). Cytogenetic location: 4q12.
Variant type: single nucleotide variant.
Coding change: c.2156A>C on transcript NM_000222.3 (MANE Select); coding-DNA position 2156, A replaced by C.
Protein change: p.Asn719Thr; replaces asparagine 719 with threonine.
Molecular consequence: missense variant.
Genome position (GRCh38, 1-based): chr4:54,731,342, A>C. VCF-style: chr4-54731342-A-C. GRCh37 (hg19) VCF-style: chr4-55597508-A-C.
Other names: c.2144A>C, p.Asn715Thr (NM_001093772.2, NM_001385292.1); c.2159A>C, p.Asn720Thr (NM_001385284.1); c.2153A>C, p.Asn718Thr (NM_001385285.1); c.2141A>C, p.Asn714Thr (NM_001385286.1); c.2147A>C, p.Asn716Thr (NM_001385288.1); c.2156A>C, p.Asn719Thr (NM_001385290.1); short protein forms N718T, N716T, N719T, N714T, N715T, N720T.
Identifiers: ClinVar variation 4735493 (VCV004735493.2).

ClinVar aggregate classification (germline): Uncertain significance. Review status: criteria provided, multiple submitters, no conflicts (2 of 4 stars). 2 submissions from 2 submitters: Uncertain significance (2). Last evaluated 2026-01-18.

Conditions:
Gastrointestinal stromal tumor. Also called: Gastrointestinal stromal tumor, somatic; Gastrointestinal stroma tumor. Identifiers: Orphanet 44890, MedGen C0238198, MeSH D046152, MONDO:0011719, OMIM 606764, HP:0100723.
Hereditary cancer-predisposing syndrome. Also called: Tumor predisposition; Hereditary Cancer Syndrome; Neoplastic Syndromes, Hereditary; Hereditary neoplastic syndrome. Identifiers: Orphanet 140162, MedGen C0027672, MeSH D009386, MONDO:0015356.

Submissions (2):

Labcorp Genetics (formerly Invitae), Labcorp
Classification: Uncertain significance for Gastrointestinal stromal tumor. Last evaluated: 2026-01-18. Review status: criteria provided, single submitter. Criteria: Invitae Variant Classification Sherloc (09022015). Collection method: clinical testing. Allele origin: germline.
Comment: This sequence change replaces asparagine, which is neutral and polar, with threonine, which is neutral and polar, at codon 719 of the KIT protein (p.Asn719Thr). This variant is not present in population databases (gnomAD no frequency). This variant has not been reported in the literature in individuals affected with KIT-related conditions. An algorithm developed to predict the effect of missense changes on protein structure and function (PolyPhen-2) suggests that this variant is likely to be tolerated. In summary, the available evidence is currently insufficient to determine the role of this variant in disease. Therefore, it has been classified as a Variant of Uncertain Significance.

Ambry Genetics
Classification: Uncertain significance for Hereditary cancer-predisposing syndrome. Last evaluated: 2026-01-15. Review status: criteria provided, single submitter. Criteria: Ambry Variant Classification Scheme 2023. Collection method: clinical testing. Allele origin: germline.
Comment: The p.N719T variant (also known as c.2156A>C), located in coding exon 15 of the KIT gene, results from an A to C substitution at nucleotide position 2156. The asparagine at codon 719 is replaced by threonine, an amino acid with similar properties. This amino acid position is conserved. In addition, this alteration is predicted to be tolerated by in silico analysis. Based on the available evidence, the clinical significance of this variant remains unclear.